The following is an entry in ClinVar:

NM_003859.3(DPM1):c.16G>A (p.Val6Ile)

Genes: DPM1 (dolichyl-phosphate mannosyltransferase subunit 1, catalytic; minus strand), LOC130066166 (ATAC-STARR-seq lymphoblastoid active region 18108; plus strand). Cytogenetic location: 20q13.13.
Variant type: single nucleotide variant.
Coding change: c.16G>A on transcript NM_003859.3 (MANE Select); coding-DNA position 16, G replaced by A.
Protein change: p.Val6Ile; replaces valine 6 with isoleucine.
Molecular consequence: missense variant. On other transcripts: non-coding transcript variant (1).
Genome position (GRCh38, 1-based): chr20:50,958,508, C>T on the plus strand (G>A on the coding strand, the complement: DPM1 is on the minus strand). VCF-style: chr20-50958508-C-T. GRCh37 (hg19) VCF-style: chr20-49575045-C-T.
Other names: c.16G>A, p.Val6Ile (NM_001317034.1, NM_001317035.1, NM_001317036.1); short protein forms V6I.
Identifiers: ClinVar variation 2163180 (VCV002163180.4), dbSNP rs1986968225, ClinGen allele CA408981271.

ClinVar aggregate classification (germline): Uncertain significance (1 of 4 stars; one submission).

Conditions:
Congenital disorder of glycosylation type 1E (CDG1E). Also called: CONGENITAL DISORDER OF GLYCOSYLATION, TYPE Ie; CDG Ie. Identifiers: Orphanet 79322, MedGen C1837396, MONDO:0012123, OMIM 608799.

Submission:

Labcorp Genetics (formerly Invitae), Labcorp
Classification: Uncertain significance for Congenital disorder of glycosylation type 1E. Last evaluated: 2022-07-19. Review status: criteria provided, single submitter. Criteria: Invitae Variant Classification Sherloc (09022015). Collection method: clinical testing. Allele origin: germline.
Comment: This sequence change replaces valine, which is neutral and non-polar, with isoleucine, which is neutral and non-polar, at codon 6 of the DPM1 protein (p.Val6Ile). This variant is not present in population databases (gnomAD no frequency). This variant has not been reported in the literature in individuals affected with DPM1-related conditions. Algorithms developed to predict the effect of missense changes on protein structure and function are either unavailable or do not agree on the potential impact of this missense change (SIFT: "Deleterious"; PolyPhen-2: "Not Available"; Align-GVGD: "Class C0"). In summary, the available evidence is currently insufficient to determine the role of this variant in disease. Therefore, it has been classified as a Variant of Uncertain Significance.